The following is an entry in ClinVar:

ClinVar aggregate classification (germline): Uncertain significance (1 of 4 stars; one submission).

Submission:

GeneDx
Classification: Uncertain significance. Last evaluated: 2021-02-18. Review status: criteria provided, single submitter. Criteria: GeneDx Variant Classification Process June 2021. Collection method: clinical testing. Allele origin: germline. Affected: yes.
Comment: Not observed in large population cohorts (Lek et al., 2016); In silico analysis, which includes protein predictors and evolutionary conservation, supports a deleterious effect; Has not been previously published as pathogenic or benign to our knowledge

NM_014141.6(CNTNAP2):c.112C>G (p.Pro38Ala)

Gene: CNTNAP2 (contactin associated protein 2; plus strand). Cytogenetic location: 7q35.
Variant type: single nucleotide variant.
Coding change: c.112C>G on transcript NM_014141.6 (MANE Select); coding-DNA position 112, C replaced by G.
Protein change: p.Pro38Ala; replaces proline 38 with alanine.
Molecular consequence: missense variant.
Genome position (GRCh38, 1-based): chr7:146,774,285, C>G. VCF-style: chr7-146774285-C-G. GRCh37 (hg19) VCF-style: chr7-146471377-C-G.
Other names: short protein forms P38A.
Identifiers: ClinVar variation 1318813 (VCV001318813.2), dbSNP rs2129185957, ClinGen allele CA369922251.